The following is an entry in ClinVar:

ClinVar aggregate classification (germline): Pathogenic (1 of 4 stars; one submission).

Allele frequency attached by ClinVar (database versions not stated): gnomAD exomes below 0.00001.

Submission:

Labcorp Genetics (formerly Invitae), Labcorp
Classification: Pathogenic. Last evaluated: 2022-11-28. Review status: criteria provided, single submitter. Criteria: Invitae Variant Classification Sherloc (09022015). Collection method: clinical testing. Allele origin: germline.
Comment: This sequence change creates a premature translational stop signal (p.Ser498Ilefs*26) in the RTTN gene. It is expected to result in an absent or disrupted protein product. Loss-of-function variants in RTTN are known to be pathogenic (PMID: 26608784, 26846091). This variant is not present in population databases (gnomAD no frequency). This variant has not been reported in the literature in individuals affected with RTTN-related conditions. For these reasons, this variant has been classified as Pathogenic.

Literature cited by the submitters: PubMed 26608784; PubMed 26846091.

NM_173630.4(RTTN):c.1491dup (p.Ser498fs)

Gene: RTTN (rotatin; minus strand). Cytogenetic location: 18q22.2.
Variant type: Duplication.
Coding change: c.1491dup on transcript NM_173630.4 (MANE Select); coding-DNA position 1491, one base duplicated (A; older notation c.1491dupA).
Protein change: p.Ser498fs; shifts the reading frame from serine 498.
Molecular consequence: frameshift variant. On other transcripts: intron variant (1).
Genome position (GRCh38, 1-based): chr18:70,169,053, T duplicated on the plus strand (A on the coding strand, the reverse complement: RTTN is on the minus strand). VCF-style (leftmost placement, unchanged base first): chr18-70169052-A-AT. GRCh37 (hg19) VCF-style: chr18-67836288-A-AT.
Other names: c.-1077-80dup (NM_001318520.2); short protein forms S498fs.
Identifiers: ClinVar variation 2817115 (VCV002817115.3), dbSNP rs2061066554, ClinGen allele CA2312006438.